The following is an entry in ClinVar:

NM_001244008.2(KIF1A):c.2954G>A (p.Arg985His)

Gene: KIF1A (kinesin family member 1A; minus strand). Cytogenetic location: 2q37.3.
Variant type: single nucleotide variant.
Coding change: c.2954G>A on transcript NM_001244008.2 (MANE Select); coding-DNA position 2954, G replaced by A.
Protein change: p.Arg985His; replaces arginine 985 with histidine.
Molecular consequence: missense variant.
Genome position (GRCh38, 1-based): chr2:240,750,452, C>T on the plus strand (G>A on the coding strand, the complement: KIF1A is on the minus strand). VCF-style: chr2-240750452-C-T. GRCh37 (hg19) VCF-style: chr2-241689869-C-T.
Other names: c.2678G>A, p.Arg893His (NM_001320705.2, NM_001330289.2, NM_001379638.1); c.2753G>A, p.Arg918His (NM_001330290.2, NM_001379634.1, NM_001379635.1 and 1 more transcripts); c.3029G>A, p.Arg1010His (NM_001379631.1); c.2903G>A, p.Arg968His (NM_001379632.1); c.2927G>A, p.Arg976His (NM_001379633.1, NM_001379642.1, NM_001379645.1); c.2651G>A, p.Arg884His (NM_001379636.1, NM_001379639.1, NM_001379640.1 and 6 more transcripts); c.2726G>A, p.Arg909His (NM_001379637.1, NM_001379648.1); short protein forms R884H, R985H, R893H, R918H, R1010H, R909H, R968H, R976H.
Identifiers: ClinVar variation 435635 (VCV000435635.13), dbSNP rs772779524, ClinGen allele CA2207974.

ClinVar aggregate classification (germline): Uncertain significance. Review status: criteria provided, multiple submitters, no conflicts (2 of 4 stars). 3 submissions from 3 submitters: Uncertain significance (3). Last evaluated 2026-01-23.

Conditions:
Hereditary spastic paraplegia 30. Identifiers: Orphanet 101010, MedGen C5235139, MONDO:0012476.
Neuropathy, hereditary sensory, type 2C. Also called: KIF1A-Related HSAN2 (HSAN2C); Hereditary sensory and autonomic neuropathy type IIC. Identifiers: Orphanet 970, MedGen C3280168, MONDO:0013634, OMIM 614213.
Intellectual disability, autosomal dominant 9 (NESCAVS). Also called: KIF1A-Related Neurodevelopmental Disorder; NESCAV SYNDROME. Identifiers: Orphanet 662367, MedGen C5393830, MONDO:0013656, OMIM 614255.

Allele frequency attached by ClinVar (database versions not stated): ExAC 0.00002; gnomAD 0.00001; TOPMed 0.00002; gnomAD exomes 0.00001.
gnomAD v4.1: 9 of 1,613,594 alleles (0.00056%); highest among the groups gnomAD compares: South Asian, 0.0033%; no homozygotes.

Submissions (3):

Dasa
Classification: Uncertain significance. Last evaluated: 2026-01-23. Review status: criteria provided, single submitter. Criteria: DASA Assertion Criteria. Collection method: clinical testing. Allele origin: germline.
Comment: NM_001244008.2(KIF1A):c.2954G>A (p.Arg985His) is a missense variant that results in the substitution of arginine with histidine. This variant is rare in population databases. The currently available literature and clinical evidence are not sufficient to establish a definitive association between this variant and the reported condition. Therefore, this variant is classified as a variant of uncertain significance.

Labcorp Genetics (formerly Invitae), Labcorp
Classification: Uncertain significance for Hereditary spastic paraplegia 30; Neuropathy, hereditary sensory, type 2C; Intellectual disability, autosomal dominant 9. Last evaluated: 2025-08-20. Review status: criteria provided, single submitter. Criteria: Invitae Variant Classification Sherloc (09022015). Collection method: clinical testing. Allele origin: germline.
Comment: This sequence change replaces arginine, which is basic and polar, with histidine, which is basic and polar, at codon 884 of the KIF1A protein (p.Arg884His). This variant is present in population databases (rs772779524, gnomAD 0.01%). This variant has not been reported in the literature in individuals affected with KIF1A-related conditions. ClinVar contains an entry for this variant (Variation ID: 435635). Invitae Evidence Modeling of protein sequence and biophysical properties (such as structural, functional, and spatial information, amino acid conservation, physicochemical variation, residue mobility, and thermodynamic stability) has been performed for this missense variant. However, the output from this modeling did not meet the statistical confidence thresholds required to predict the impact of this variant on KIF1A protein function. In summary, the available evidence is currently insufficient to determine the role of this variant in disease. Therefore, it has been classified as a Variant of Uncertain Significance.

Genetic Services Laboratory, University of Chicago
Classification: Uncertain significance. Last evaluated: 2016-07-05. Review status: criteria provided, single submitter. Criteria: ACMG Guidelines, 2015. Collection method: clinical testing. Allele origin: germline. Affected: no.